The following is an entry in ClinVar:

NM_007294.4(BRCA1):c.5153-6C>A

Gene: BRCA1 (BRCA1 DNA repair associated; minus strand). Cytogenetic location: 17q21.31.
Variant type: single nucleotide variant.
Coding change: c.5153-6C>A on transcript NM_007294.4 (MANE Select); 6 bases into the intron before coding-DNA position 5153, C replaced by A.
Molecular consequence: intron variant.
Genome position (GRCh38, 1-based): chr17:43,063,379, G>T on the plus strand (C>A on the coding strand, the complement: BRCA1 is on the minus strand). VCF-style: chr17-43063379-G-T. GRCh37 (hg19) VCF-style: chr17-41215396-G-T.
Other names: IVS18-6C>A; c.1700-6C>A (NM_001408464.1, NM_001408467.1, NM_001408459.1 and 7 more transcripts); c.5009-6C>A (NM_001407742.1, NM_001407945.1, NM_001407736.1 and 21 more transcripts); c.1580-6C>A (NM_001408498.1, NM_001408501.1, NM_001408500.1 and 3 more transcripts); c.4886-6C>A (NM_001407928.1, NM_001407929.1, NM_001407930.1 and 4 more transcripts); c.4889-6C>A (NM_001407925.1, NM_001407921.1, NM_001407926.1 and 4 more transcripts); c.5012-6C>A (NM_007297.4, NM_001407731.1, NM_001407695.1 and 13 more transcripts); c.1640-6C>A (NM_001408475.1, NM_001408476.1); and 73 more.
Identifiers: ClinVar variation 96941 (VCV000096941.30), dbSNP rs80358129, ClinGen allele CA003303.
Genomic context (GRCh38, chr17:43,063,379, plus strand): 5'-CATCAAGTACTTACCTCATTCAGCATTTTTCTTTCTTTAATAGACTGGGTCACCCCTAAA[G>T]AGATCATAGAAAAGACAGGTTACATACAGCAGAAGAACGTGCTCTTTTCACGGAGATAGA-3'

ClinVar aggregate classification (germline): Benign. Review status: reviewed by expert panel (3 of 4 stars). 13 submissions from 13 submitters: Benign (1). 12 of the submissions do not count toward it. Last evaluated 2015-08-10.

Conditions:
Hereditary cancer-predisposing syndrome. Also called: Hereditary Cancer Syndrome; Neoplastic Syndromes, Hereditary; Hereditary neoplastic syndrome; Tumor predisposition. Identifiers: Orphanet 140162, MedGen C0027672, MeSH D009386, MONDO:0015356.
Breast-ovarian cancer, familial, susceptibility to, 1 (BROVCA1). Also called: BRCA1 Hereditary Breast and Ovarian Cancer; OVARIAN CANCER, SUSCEPTIBILITY TO. Identifiers: Orphanet 145, MedGen C2676676, MONDO:0011450, OMIM 604370. Disease mechanism: loss of function.
Hereditary breast ovarian cancer syndrome. Also called: Hereditary breast and/or ovarian cancer syndrome; Hereditary breast and ovarian cancer syndrome; Hereditary breast and ovarian cancer; Hereditary breast and ovarian cancer syndrome (HBOC); Breast and ovarian cancer; BRCA1- and BRCA2-Associated Hereditary Breast and Ovarian Cancer. Identifiers: Orphanet 145, MedGen C0677776, MeSH D061325, MONDO:0003582. Disease mechanism: loss of function.

Allele frequency attached by ClinVar (database versions not stated): gnomAD exomes 0.00002; ExAC 0.00003; TOPMed 0.00004.
gnomAD v4.1: 44 of 1,610,314 alleles (0.0027%); highest among the groups gnomAD compares: Non-Finnish European, 0.0032%; no homozygotes.

Submissions (14):

Evidence-based Network for the Interpretation of Germline Mutant Alleles (ENIGMA)
Classification: Benign for Breast-ovarian cancer, familial 1. Last evaluated: 2015-08-10. Review status: reviewed by expert panel. Criteria: ENIGMA BRCA1/2 Classification Criteria (2015). Collection method: curation. Allele origin: germline.
Comment: IARC class based on posterior probability from multifactorial likelihood analysis, thresholds for class as per Plon et al. 2008 (PMID: 18951446). Class 1 based on posterior probability = 0.00000901

Labcorp Genetics (formerly Invitae), Labcorp
Classification: Likely benign for Hereditary breast ovarian cancer syndrome. Last evaluated: 2025-11-24. Review status: criteria provided, single submitter. Criteria: Invitae Variant Classification Sherloc (09022015). Collection method: clinical testing. Allele origin: germline. Not counted in ClinVar's aggregate classification.

Women's Health and Genetics/Laboratory Corporation of America, LabCorp
Classification: Likely benign. Last evaluated: 2025-02-21. Review status: criteria provided, single submitter. Criteria: LabCorp Variant Classification Summary - May 2015. Collection method: clinical testing. Allele origin: germline. Not counted in ClinVar's aggregate classification.
Comment: Variant summary: BRCA1 c.5153-6C>A alters a conserved nucleotide located close to a canonical splice site and therefore could affect mRNA splicing, leading to a significantly altered protein sequence. Several computational tools predict a significant impact on normal splicing: Three predict the variant weakens a 3' acceptor site. One predict the variant no significant impact on splicing. Two experimental studies showed no impact on splicing (Wappenschmidt_2012, Houdayer_2012). The variant allele was found at a frequency of 2e-05 in 250770 control chromosomes. The available data on variant occurrences in the general population are insufficient to allow any conclusion about variant significance. To our knowledge, no occurrence of c.5153-6C>A in individuals affected with Hereditary Breast And Ovarian Cancer Syndrome has been reported. At least one functional study reports experimental evidence evaluating an impact on protein function and showed no damaging effect of this variant on homology directed repair (HDR) activity (e.g. Findlay_2018). HDR assays qualify as a recognized gold standard on the basis of updated guidance provided by the ClinGen Sequence Variant Interpretation (SVI) working group. The following publications have been ascertained in the context of this evaluation (PMID: (30209399, 22505045, 16267036, 23239986). ClinVar contains an entry for this variant (Variation ID: 96941). Based on the evidence outlined above, the variant was classified as likely benign.

Quest Diagnostics Nichols Institute San Juan Capistrano
Classification: Likely benign. Last evaluated: 2025-01-09. Review status: criteria provided, single submitter. Criteria: Quest Diagnostics criteria. Collection method: clinical testing. Allele origin: unknown. Not counted in ClinVar's aggregate classification.

All of Us Research Program, National Institutes of Health
Classification: Benign for Breast-ovarian cancer, familial, susceptibility to, 1. Last evaluated: 2023-10-27. Review status: criteria provided, single submitter. Criteria: ACMG Guidelines, 2015. Collection method: clinical testing. Allele origin: germline. Inheritance: Autosomal dominant inheritance. Observed: 5 variant alleles, 5 heterozygotes. Not counted in ClinVar's aggregate classification.
Comment: This study involves interpretation of variants in research participants for the purpose of population health screening. Participant phenotype was not available at the time of variant classification. Additional details can be found in publication PMID: 35346344, PMCID: PMC8962531

ARUP Laboratories, Molecular Genetics and Genomics, ARUP Laboratories
Classification: Benign. Last evaluated: 2022-03-11. Review status: criteria provided, single submitter. Criteria: ARUP Molecular Germline Variant Investigation Process 2021. Collection method: clinical testing. Allele origin: germline. Not counted in ClinVar's aggregate classification.

Color Diagnostics, LLC DBA Color Health
Classification: Benign for Hereditary cancer-predisposing syndrome. Last evaluated: 2016-09-27. Review status: criteria provided, single submitter. Criteria: ACMG Guidelines, 2015. Collection method: clinical testing. Allele origin: germline. Not counted in ClinVar's aggregate classification.

GeneDx
Classification: Benign. Last evaluated: 2014-09-09. Review status: criteria provided, single submitter. Criteria: GeneDx Variant Classification (06012015). Collection method: clinical testing. Allele origin: germline. Affected: yes. Not counted in ClinVar's aggregate classification.
Comment: This variant is considered likely benign or benign based on one or more of the following criteria: it is a conservative change, it occurs at a poorly conserved position in the protein, it is predicted to be benign by multiple in silico algorithms, and/or has population frequency not consistent with disease.

Institute for Biomarker Research, Medical Diagnostic Laboratories, L.L.C.
Classification: Likely benign for Hereditary breast ovarian cancer syndrome. Last evaluated: 2022-05-04. Review status: no assertion criteria provided. Collection method: clinical testing. Allele origin: germline. Not counted in ClinVar's aggregate classification.

Sharing Clinical Reports Project (SCRP)
Classification: Likely benign for Breast-ovarian cancer, familial 1. Last evaluated: 2009-01-02. Review status: no assertion criteria provided. Collection method: clinical testing. Allele origin: germline. Not counted in ClinVar's aggregate classification.

Breast Cancer Information Core (BIC) (BRCA1)
Classification: Uncertain significance for Breast-ovarian cancer, familial 1. Last evaluated: 2003-12-23. Review status: no assertion criteria provided. Collection method: clinical testing. Allele origin: germline. Affected: yes. Observed: 1 variant allele. Not counted in ClinVar's aggregate classification.

Brotman Baty Institute, University of Washington
No classification provided (evidence only). Condition: Breast-ovarian cancer, familial 1. Review status: no classification provided. Collection method: in vitro. Allele origin: not applicable. Functional consequence: functionally_normal. Not counted in ClinVar's aggregate classification.
ClinVar note: "not provided" was previously submitted as the classification for the variant. However, the classification appeared to be based only on an observation of functional data so it was converted to no classification on 2025-07-30.

Clinical Genetics DNA and cytogenetics Diagnostics Lab, Erasmus MC, Erasmus Medical Center
Classification: Benign. Review status: no assertion criteria provided. Collection method: clinical testing. Allele origin: germline. Affected: yes. Study: VKGL Data-share Consensus. Not counted in ClinVar's aggregate classification.

Joint Genome Diagnostic Labs from Nijmegen and Maastricht, Radboudumc and MUMC+
Classification: Likely benign. Review status: no assertion criteria provided. Collection method: clinical testing. Allele origin: germline. Affected: yes. Study: VKGL Data-share Consensus. Not counted in ClinVar's aggregate classification.

Literature cited by the submitters: PubMed 21990134 (cited by 3 submitters); PubMed 16267036 (cited by Women's Health and Genetics/Laboratory Corporation of America, LabCorp and Quest Diagnostics Nichols Institute San Juan Capistrano); PubMed 17924331 (cited by Women's Health and Genetics/Laboratory Corporation of America, LabCorp and Quest Diagnostics Nichols Institute San Juan Capistrano); PubMed 22505045 (cited by Women's Health and Genetics/Laboratory Corporation of America, LabCorp and Quest Diagnostics Nichols Institute San Juan Capistrano); PubMed 23239986 (cited by Women's Health and Genetics/Laboratory Corporation of America, LabCorp and Quest Diagnostics Nichols Institute San Juan Capistrano); PubMed 21523855 (cited by Women's Health and Genetics/Laboratory Corporation of America, LabCorp and Quest Diagnostics Nichols Institute San Juan Capistrano); PubMed 30209399 (cited by Women's Health and Genetics/Laboratory Corporation of America, LabCorp and Quest Diagnostics Nichols Institute San Juan Capistrano).